The following is an entry in ClinVar:

ClinVar aggregate classification (germline): Uncertain significance (1 of 4 stars; one submission).

gnomAD v4.1: 1 of 1,607,248 alleles (0.000062%); highest among the groups gnomAD compares: Non-Finnish European, 0.000085%; no homozygotes.

Submission:

Labcorp Genetics (formerly Invitae), Labcorp
Classification: Uncertain significance. Last evaluated: 2025-12-14. Review status: criteria provided, single submitter. Criteria: Invitae Variant Classification Sherloc (09022015). Collection method: clinical testing. Allele origin: germline.
Comment: This sequence change replaces valine, which is neutral and non-polar, with isoleucine, which is neutral and non-polar, at codon 66 of the SPEN protein (p.Val66Ile). This variant is not present in population databases (gnomAD no frequency). This variant has not been reported in the literature in individuals affected with SPEN-related conditions. An algorithm developed to predict the effect of missense changes on protein structure and function outputs the following: PolyPhen-2: "Probably Damaging". The isoleucine amino acid residue is found in multiple mammalian species, which suggests that this missense change does not adversely affect protein function. In summary, the available evidence is currently insufficient to determine the role of this variant in disease. Therefore, it has been classified as a Variant of Uncertain Significance.

NM_015001.3(SPEN):c.196G>A (p.Val66Ile)

Gene: SPEN (spen family transcriptional repressor; plus strand). Cytogenetic location: 1p36.21.
Variant type: single nucleotide variant.
Coding change: c.196G>A on transcript NM_015001.3 (MANE Select); coding-DNA position 196, G replaced by A.
Protein change: p.Val66Ile; replaces valine 66 with isoleucine.
Molecular consequence: missense variant.
Genome position (GRCh38, 1-based): chr1:15,872,928, G>A. VCF-style: chr1-15872928-G-A. GRCh37 (hg19) VCF-style: chr1-16199423-G-A.
Other names: short protein forms V66I.
Identifiers: ClinVar variation 4733201 (VCV004733201.1).